The following is an entry in ClinVar:

NM_006929.5(SKIC2):c.418C>T (p.Pro140Ser)

Gene: SKIC2 (SKI2 subunit of superkiller complex; plus strand). Cytogenetic location: 6p21.33.
Variant type: single nucleotide variant.
Coding change: c.418C>T on transcript NM_006929.5 (MANE Select); coding-DNA position 418, C replaced by T.
Protein change: p.Pro140Ser; replaces proline 140 with serine.
Molecular consequence: missense variant.
Genome position (GRCh38, 1-based): chr6:31,960,495, C>T. VCF-style: chr6-31960495-C-T. GRCh37 (hg19) VCF-style: chr6-31928272-C-T.
Other names: short protein forms P140S.
Identifiers: ClinVar variation 2101072 (VCV002101072.1), dbSNP rs772912589, ClinGen allele CA3729143.
Genomic context (GRCh38, chr6:31,960,495, plus strand): 5'-TTGCTGGAGAACACAAATCTCTCGGCTACAACCTCCTTGTCTCTTCGCCGGCCTCCAGGG[C>T]CAGCCTCCCAGTCCTTATGGGGAAATCCAACTCAGTATCCCTTCTGGCCAGGTGACTCTT-3'
Protein context (NP_008860.4, residues 130-150): TSLSLRRPPG[Pro140Ser]ASQSLWGNPT

ClinVar aggregate classification (germline): Uncertain significance (1 of 4 stars; one submission).

Allele frequency attached by ClinVar (database versions not stated): ExAC 0.00001; gnomAD 0.00001; gnomAD exomes 0.00002.
gnomAD v4.1: 19 of 1,613,946 alleles (0.0012%); highest among the groups gnomAD compares: Non-Finnish European, 0.0016%; no homozygotes.

Submission:

Labcorp Genetics (formerly Invitae), Labcorp
Classification: Uncertain significance. Last evaluated: 2022-07-06. Review status: criteria provided, single submitter. Criteria: Invitae Variant Classification Sherloc (09022015). Collection method: clinical testing. Allele origin: germline.
Comment: This sequence change replaces proline, which is neutral and non-polar, with serine, which is neutral and polar, at codon 140 of the SKIV2L protein (p.Pro140Ser). This variant is present in population databases (rs772912589, gnomAD 0.002%). This variant has not been reported in the literature in individuals affected with SKIV2L-related conditions. Algorithms developed to predict the effect of missense changes on protein structure and function are either unavailable or do not agree on the potential impact of this missense change (SIFT: "Tolerated"; PolyPhen-2: "Probably Damaging"; Align-GVGD: "Class C0"). Algorithms developed to predict the effect of sequence changes on RNA splicing suggest that this variant may create or strengthen a splice site. In summary, the available evidence is currently insufficient to determine the role of this variant in disease. Therefore, it has been classified as a Variant of Uncertain Significance.